The following is an entry in ClinVar:

ClinVar aggregate classification (germline): Benign. Review status: criteria provided, single submitter (1 of 4 stars). 2 submissions from 1 submitter: Benign (2). Last evaluated 2018-01-13.

Conditions:
Isolated focal cortical dysplasia type II (FCORD2). Also called: CORTICAL DYSPLASIA OF TAYLOR; Focal cortical dysplasia type II. Identifiers: Orphanet 268994, MedGen C1846385, MONDO:0011818, OMIM 607341, HP:0032051.
Tuberous sclerosis 1 (TSC1). Identifiers: Orphanet 805, MedGen C1854465, MONDO:0008612, OMIM 191100.

Allele frequency attached by ClinVar (database versions not stated): gnomAD 0.00001 and 0.00006; TOPMed 0.00003; gnomAD exomes 0.00004; 1000 Genomes Project 30x 0.00031; 1000 Genomes Project 0.00040.
gnomAD v4.1: 12 of 234,586 alleles (0.0051%); highest among the groups gnomAD compares: South Asian, 0.09%; no homozygotes.

Submissions (2):

Illumina Laboratory Services, Illumina
Classification: Benign for Isolated focal cortical dysplasia type II. Last evaluated: 2018-01-13. Review status: criteria provided, single submitter. Criteria: ICSL Variant Classification Criteria 13 December 2019. Collection method: clinical testing. Allele origin: germline.
Comment: This variant was observed in the ICSL laboratory as part of a predisposition screen in an ostensibly healthy population. It had not been previously curated by ICSL or reported in the Human Gene Mutation Database (HGMD: prior to June 1st, 2018), and was therefore a candidate for classification through an automated scoring system. Utilizing variant allele frequency, disease prevalence and penetrance estimates, and inheritance mode, an automated score was calculated to assess if this variant is too frequent to cause the disease. Based on the score and internal cut-off values, a variant classified as benign is not then subjected to further curation. The score for this variant resulted in a classification of benign for this disease.

Illumina Laboratory Services, Illumina
Classification: Benign for Tuberous sclerosis 1. Last evaluated: 2018-01-13. Review status: criteria provided, single submitter. Criteria: ICSL Variant Classification Criteria 13 December 2019. Collection method: clinical testing. Allele origin: germline.
Comment: the same text as in the submission from Illumina Laboratory Services, Illumina above.

NM_000368.5(TSC1):c.*651C>G

Gene: TSC1 (TSC complex subunit 1; minus strand). Cytogenetic location: 9q34.13.
Variant type: single nucleotide variant.
Coding change: c.*651C>G on transcript NM_000368.5 (MANE Select); 651 bases downstream of the stop codon, C replaced by G.
Molecular consequence: 3 prime UTR variant.
Genome position (GRCh38, 1-based): chr9:132,895,584, G>C on the plus strand (C>G on the coding strand, the complement: TSC1 is on the minus strand). VCF-style: chr9-132895584-G-C. GRCh37 (hg19) VCF-style: chr9-135770971-G-C.
Other names: c.*651C>G (NM_001162426.2, NM_001162427.2, NM_001362177.2).
Identifiers: ClinVar variation 365493 (VCV000365493.5), dbSNP rs369911288, ClinGen allele CA10626711.